The following is an entry in ClinVar:

NM_001040108.2(MLH3):c.1003A>C (p.Thr335Pro)

Gene: MLH3 (mutL homolog 3; minus strand). Cytogenetic location: 14q24.3.
Variant type: single nucleotide variant.
Coding change: c.1003A>C on transcript NM_001040108.2 (MANE Select); coding-DNA position 1003, A replaced by C.
Protein change: p.Thr335Pro; replaces threonine 335 with proline.
Molecular consequence: missense variant.
Genome position (GRCh38, 1-based): chr14:75,048,653, T>G on the plus strand (A>C on the coding strand, the complement: MLH3 is on the minus strand). VCF-style: chr14-75048653-T-G. GRCh37 (hg19) VCF-style: chr14-75515356-T-G.
Other names: c.1003A>C, p.Thr335Pro (NM_014381.3); short protein forms T335P.
Identifiers: ClinVar variation 4860214 (VCV004860214.1).
Genomic context (GRCh38, chr14:75,048,653, plus strand): 5'-CAAATAATTTTTCTTGCTTTAAAAACATTTTCACTCCTTCCTGAATGCAAAACAAGAGAG[T>G]GTCCCAGTTCTGAAATTCAATCAGAGTTTTGGCTGGCTCCATGCACACATCATACTCACA-3'
Protein context (NP_001035197.1, residues 325-345): KTLIEFQNWD[Thr335Pro]LLFCIQEGVK

ClinVar aggregate classification (germline): Uncertain significance (1 of 4 stars; one submission).

Submission:

Ambry Genetics
Classification: Uncertain significance. Last evaluated: 2026-05-21. Review status: criteria provided, single submitter. Criteria: Ambry Variant Classification Scheme 2023. Collection method: clinical testing. Allele origin: germline.
Comment: The p.T335P variant (also known as c.1003A>C), located in coding exon 1 of the MLH3 gene, results from an A to C substitution at nucleotide position 1003. The threonine at codon 335 is replaced by proline, an amino acid with highly similar properties. This amino acid position is conserved. In addition, the in silico prediction for this alteration is inconclusive. Based on the available evidence, the clinical significance of this variant remains unclear.